The following is an entry in ClinVar:

ClinVar aggregate classification (germline): Pathogenic (1 of 4 stars; one submission).

Submission:

Labcorp Genetics (formerly Invitae), Labcorp
Classification: Pathogenic. Last evaluated: 2025-11-25. Review status: criteria provided, single submitter. Criteria: Invitae Variant Classification Sherloc (09022015). Collection method: clinical testing. Allele origin: germline.
Comment: This sequence change creates a premature translational stop signal (p.Gly444Valfs*66) in the COL11A2 gene. It is expected to result in an absent or disrupted protein product. Loss-of-function variants in COL11A2 are known to be pathogenic (PMID: 10677296, 21204229). This variant is not present in population databases (gnomAD no frequency). This variant has not been reported in the literature in individuals affected with COL11A2-related conditions. For these reasons, this variant has been classified as Pathogenic.

Literature cited by the submitters: PubMed 10677296; PubMed 21204229.

NM_080680.3(COL11A2):c.1329del (p.Gly444fs)

Gene: COL11A2 (collagen type XI alpha 2 chain; minus strand). Cytogenetic location: 6p21.32.
Variant type: Deletion.
Coding change: c.1329del on transcript NM_080680.3 (MANE Select); coding-DNA position 1329, one base deleted (T; older notation c.1329delT).
Protein change: p.Gly444fs; shifts the reading frame from glycine 444.
Molecular consequence: frameshift variant.
Genome position (GRCh38, 1-based): chr6:33,180,288, A deleted on the plus strand (T on the coding strand, the reverse complement: COL11A2 is on the minus strand). VCF-style (leftmost placement, unchanged base first): chr6-33180287-CA-C. GRCh37 (hg19) VCF-style: chr6-33148064-CA-C.
Other names: c.1149del, p.Gly384fs (NM_001424108.1); c.483del, p.Gly162fs (NM_001424109.1); c.303del, p.Gly102fs (NM_001424110.1, NM_001424111.1); c.1008del, p.Gly337fs (NM_080679.3); c.1071del, p.Gly358fs (NM_080681.3); short protein forms G102fs, G162fs, G337fs, G358fs, G384fs, G444fs.
Identifiers: ClinVar variation 4731990 (VCV004731990.1).